The following is an entry in ClinVar:

ClinVar aggregate classification (germline): Uncertain significance (1 of 4 stars; one submission).

Conditions:
TMEM67-related disorder. Also called: TMEM67-related condition; TMEM67-related disorders. Identifiers: MedGen CN239423.

gnomAD v4.1: 3 of 988,446 alleles (0.0003%); highest among the groups gnomAD compares: South Asian, 0.0015%; no homozygotes.

Submission:

PreventionGenetics, part of Exact Sciences
Classification: Uncertain significance for TMEM67-related condition. Last evaluated: 2026-08-06. Review status: criteria provided, single submitter. Criteria: ACMG Guidelines, 2015. Collection method: clinical testing. Allele origin: germline.
Comment: The TMEM67 c.47G>T variant is predicted to result in the amino acid substitution p.Arg16Leu. To our knowledge, this variant has not been reported in the literature or in a large population database (gnomAD), indicating this variant is rare. At this time, the clinical significance of this variant is uncertain due to the absence of conclusive functional and genetic evidence.

NM_153704.6(TMEM67):c.406+1301G>T

Gene: TMEM67 (transmembrane protein 67; plus strand). Cytogenetic location: 8q22.1.
Variant type: single nucleotide variant.
Coding change: c.406+1301G>T on transcript NM_153704.6 (MANE Select); 1301 bases into the intron after coding-DNA position 406, G replaced by T.
Molecular consequence: intron variant. On other transcripts: missense variant (1).
Genome position (GRCh38, 1-based): chr8:93,759,877, G>T. VCF-style: chr8-93759877-G-T. GRCh37 (hg19) VCF-style: chr8-94772105-G-T.
Other names: c.47G>T, p.Arg16Leu (NM_001142301.1); short protein forms R16L.
Identifiers: ClinVar variation 4987586 (VCV004987586.1).